The following is an entry in ClinVar:

ClinVar aggregate classification (germline): Pathogenic. Review status: criteria provided, multiple submitters, no conflicts (2 of 4 stars). 5 submissions from 5 submitters: Pathogenic (5). Last evaluated 2025-09-12.

Conditions:
Congenital myotonia, autosomal recessive form. Also called: BECKER DISEASE; myotonia congenita, autosomal recessive; Becker Generalized Myotonia. Identifiers: Orphanet 614, MedGen C0751360, MONDO:0009715, OMIM 255700.
Congenital myotonia, autosomal dominant form (THD). Also called: THOMSEN DISEASE; Myotonia congenita autosomal dominant. Identifiers: Orphanet 614, MedGen C2936781, MONDO:0008055, OMIM 160800.
Skeletal muscle channelopathy.

Allele frequency attached by ClinVar (database versions not stated): TOPMed below 0.00001; ExAC 0.00001; gnomAD exomes 0.00002 and 0.00001; 1000 Genomes Project 0.00020; gnomAD 0.00001; 1000 Genomes Project 30x 0.00016.
gnomAD v4.1: 5 of 1,613,644 alleles (0.00031%); highest among the groups gnomAD compares: Admixed American, 0.0033%; no homozygotes.

Submissions (5):

Genetics Laboratory, Great Ormond Street Hospital NHS Foundation Trust, North Thames Genomic Laboratory Hub
Classification: Pathogenic for Skeletal muscle channelopathy. Last evaluated: 2025-09-12. Review status: criteria provided, single submitter. Criteria: ACGS Best Practice Guidelines for Variant Classification in Rare Disease 2024 v1.2. Collection method: clinical testing. Allele origin: germline. Affected: yes.
Comment: PM2_moderate, PVS1_very-strong, PM3_strong

Labcorp Genetics (formerly Invitae), Labcorp
Classification: Pathogenic for Congenital myotonia, autosomal recessive form; Congenital myotonia, autosomal dominant form. Last evaluated: 2024-12-08. Review status: criteria provided, single submitter. Criteria: Invitae Variant Classification Sherloc (09022015). Collection method: clinical testing. Allele origin: germline.
Comment: This sequence change creates a premature translational stop signal (p.Lys248*) in the CLCN1 gene. It is expected to result in an absent or disrupted protein product. Loss-of-function variants in CLCN1 are known to be pathogenic (PMID: 17932099, 22094069, 23739125). This variant is present in population databases (rs561470261, gnomAD 0.006%). This premature translational stop signal has been observed in individual(s) with autosomal recessive myotonia congenita (PMID: 22246887, 25487368). It has also been observed to segregate with disease in related individuals. ClinVar contains an entry for this variant (Variation ID: 620142). Algorithms developed to predict the effect of sequence changes on RNA splicing suggest that this variant may disrupt the consensus splice site. For these reasons, this variant has been classified as Pathogenic.

Fulgent Genetics
Classification: Pathogenic for Congenital myotonia, autosomal dominant form; Congenital myotonia, autosomal recessive form. Last evaluated: 2024-01-02. Review status: criteria provided, single submitter. Criteria: ACMG Guidelines, 2015. Collection method: clinical testing. Allele origin: germline.

GeneDx
Classification: Pathogenic. Last evaluated: 2023-03-02. Review status: criteria provided, single submitter. Criteria: GeneDx Variant Classification Process June 2021. Collection method: clinical testing. Allele origin: germline. Affected: yes.
Comment: Nonsense variant predicted to result in protein truncation or nonsense mediated decay in a gene for which loss of function is a known mechanism of disease; Not observed at significant frequency in large population cohorts (gnomAD); This variant is associated with the following publications: (PMID: 25487368, 17654559, 31589614, 22246887)

Revvity Omics, Revvity
Classification: Pathogenic. Last evaluated: 2020-12-22. Review status: criteria provided, single submitter. Criteria: ACMG Guidelines, 2015. Collection method: clinical testing. Allele origin: germline.

Literature cited by the submitters: PubMed 17932099 (cited by Labcorp Genetics (formerly Invitae), Labcorp); PubMed 22094069 (cited by Labcorp Genetics (formerly Invitae), Labcorp); PubMed 23739125 (cited by Labcorp Genetics (formerly Invitae), Labcorp); PubMed 22246887 (cited by Labcorp Genetics (formerly Invitae), Labcorp); PubMed 25487368 (cited by Labcorp Genetics (formerly Invitae), Labcorp).

NM_000083.3(CLCN1):c.742A>T (p.Lys248Ter)

Gene: CLCN1 (chloride voltage-gated channel 1; plus strand). Cytogenetic location: 7q34.
Variant type: single nucleotide variant.
Coding change: c.742A>T on transcript NM_000083.3 (MANE Select); coding-DNA position 742, A replaced by T.
Protein change: p.Lys248Ter; replaces lysine 248 with a stop codon.
Molecular consequence: nonsense. On other transcripts: non-coding transcript variant (1).
Genome position (GRCh38, 1-based): chr7:143,323,354, A>T. VCF-style: chr7-143323354-A-T. GRCh37 (hg19) VCF-style: chr7-143020447-A-T.
Other names: short protein forms K248*.
Identifiers: ClinVar variation 620142 (VCV000620142.16), dbSNP rs561470261, ClinGen allele CA4537067.
Genomic context (GRCh38, chr7:143,323,354, plus strand): 5'-CTCCCCCTCTCCCAGGGCCCCTTCGTCCACATTGCCAGCATCTGTGCTGCTGTCCTCAGC[A>T]AATTCATGTCTGTGTTCTGCGGGGTATATGAGGTAAGGTTGAGACAGTGAAATGAGCTGG-3'